The following is an entry in ClinVar:

ClinVar aggregate classification (germline): Conflicting classifications of pathogenicity. Review status: criteria provided, conflicting classifications (1 of 4 stars). 4 submissions from 4 submitters: Uncertain significance (1); Likely benign (2). 1 of the submissions does not count toward it. Last evaluated 2025-11-18.

Conditions:
MERTK-related disorder. Also called: MERTK-related condition.
Retinitis pigmentosa (RP). Identifiers: Orphanet 791, MedGen C0035334, MeSH D012174, MONDO:0019200, OMIM 268000. Inheritance: Autosomal dominant, autosomal recessive and X linked inheritance.

Allele frequency attached by ClinVar (database versions not stated): TOPMed 0.00002; gnomAD 0.00003 and 0.00015; gnomAD exomes 0.00046; ExAC 0.00053; 1000 Genomes Project 0.00080; 1000 Genomes Project 30x 0.00094.
gnomAD v4.1: 356 of 1,614,210 alleles (0.022%); highest among the groups gnomAD compares: South Asian, 0.35%; 1 homozygote.

Submissions (4):

Labcorp Genetics (formerly Invitae), Labcorp
Classification: Likely benign. Last evaluated: 2025-11-18. Review status: criteria provided, single submitter. Criteria: Invitae Variant Classification Sherloc (09022015). Collection method: clinical testing. Allele origin: germline.

Blueprint Genetics
Classification: Likely benign. Last evaluated: 2024-08-19. Review status: criteria provided, single submitter. Criteria: ACMG Guidelines, 2015. Collection method: clinical testing. Allele origin: germline.

Illumina Laboratory Services, Illumina
Classification: Uncertain significance for Retinitis pigmentosa. Last evaluated: 2018-01-12. Review status: criteria provided, single submitter. Criteria: ICSL Variant Classification Criteria 13 December 2019. Collection method: clinical testing. Allele origin: germline.

PreventionGenetics, part of Exact Sciences
Classification: Likely benign for MERTK-related condition. Last evaluated: 2022-02-09. Review status: no assertion criteria provided. Collection method: clinical testing. Allele origin: germline. Not counted in ClinVar's aggregate classification.
Comment: This variant is classified as likely benign based on ACMG/AMP sequence variant interpretation guidelines (Richards et al. 2015 PMID: 25741868, with internal and published modifications).

NM_006343.3(MERTK):c.138C>G (p.Asp46Glu)

Gene: MERTK (MER proto-oncogene, tyrosine kinase; plus strand). Cytogenetic location: 2q13.
Variant type: single nucleotide variant.
Coding change: c.138C>G on transcript NM_006343.3 (MANE Select); coding-DNA position 138, C replaced by G.
Protein change: p.Asp46Glu; replaces aspartic acid 46 with glutamic acid.
Molecular consequence: missense variant.
Genome position (GRCh38, 1-based): chr2:111,929,196, C>G. VCF-style: chr2-111929196-C-G. GRCh37 (hg19) VCF-style: chr2-112686773-C-G.
Other names: short protein forms D46E.
Identifiers: ClinVar variation 330742 (VCV000330742.16), dbSNP rs527694612, ClinGen allele CA1830985.